The following is an entry in ClinVar:

ClinVar aggregate classification (germline): Uncertain significance (1 of 4 stars; one submission).

Conditions:
Neuropathy, hereditary sensory, type 2C. Also called: KIF1A-Related HSAN2 (HSAN2C); Hereditary sensory and autonomic neuropathy type IIC. Identifiers: Orphanet 970, MedGen C3280168, MONDO:0013634, OMIM 614213.
Hereditary spastic paraplegia 30. Identifiers: Orphanet 101010, MedGen C5235139, MONDO:0012476.
Intellectual disability, autosomal dominant 9 (NESCAVS). Also called: NESCAV SYNDROME; KIF1A-Related Neurodevelopmental Disorder. Identifiers: Orphanet 662367, MedGen C5393830, MONDO:0013656, OMIM 614255.

Allele frequency attached by ClinVar (database versions not stated): gnomAD exomes below 0.00001.

Submission:

Labcorp Genetics (formerly Invitae), Labcorp
Classification: Uncertain significance for Hereditary spastic paraplegia 30; Neuropathy, hereditary sensory, type 2C; Intellectual disability, autosomal dominant 9. Last evaluated: 2023-08-17. Review status: criteria provided, single submitter. Criteria: Invitae Variant Classification Sherloc (09022015). Collection method: clinical testing. Allele origin: germline.
Comment: This sequence change replaces aspartic acid, which is acidic and polar, with asparagine, which is neutral and polar, at codon 958 of the KIF1A protein (p.Asp958Asn). This variant is not present in population databases (gnomAD no frequency). This variant has not been reported in the literature in individuals affected with KIF1A-related conditions. Advanced modeling of protein sequence and biophysical properties (such as structural, functional, and spatial information, amino acid conservation, physicochemical variation, residue mobility, and thermodynamic stability) has been performed at Invitae for this missense variant, however the output from this modeling did not meet the statistical confidence thresholds required to predict the impact of this variant on KIF1A protein function. In summary, the available evidence is currently insufficient to determine the role of this variant in disease. Therefore, it has been classified as a Variant of Uncertain Significance.

NM_001244008.2(KIF1A):c.3175G>A (p.Asp1059Asn)

Gene: KIF1A (kinesin family member 1A; minus strand). Cytogenetic location: 2q37.3.
Variant type: single nucleotide variant.
Coding change: c.3175G>A on transcript NM_001244008.2 (MANE Select); coding-DNA position 3175, G replaced by A.
Protein change: p.Asp1059Asn; replaces aspartic acid 1059 with asparagine.
Molecular consequence: missense variant.
Genome position (GRCh38, 1-based): chr2:240,746,066, C>T on the plus strand (G>A on the coding strand, the complement: KIF1A is on the minus strand). VCF-style: chr2-240746066-C-T. GRCh37 (hg19) VCF-style: chr2-241685483-C-T.
Other names: c.2899G>A, p.Asp967Asn (NM_001320705.2, NM_001330289.2, NM_001379638.1); c.2974G>A, p.Asp992Asn (NM_001330290.2, NM_001379634.1, NM_001379635.1 and 1 more transcripts); c.3250G>A, p.Asp1084Asn (NM_001379631.1); c.3124G>A, p.Asp1042Asn (NM_001379632.1); c.3148G>A, p.Asp1050Asn (NM_001379633.1, NM_001379642.1, NM_001379645.1); c.2872G>A, p.Asp958Asn (NM_001379636.1, NM_001379639.1, NM_001379640.1 and 7 more transcripts); c.2947G>A, p.Asp983Asn (NM_001379637.1, NM_001379648.1); short protein forms D1050N, D958N, D1042N, D983N, D1084N, D967N, D992N, D1059N.
Identifiers: ClinVar variation 2952053 (VCV002952053.3), dbSNP rs2048561470, ClinGen allele CA351318809.
Genomic context (GRCh38, chr2:240,746,066, plus strand): 5'-CTACGCCCTGGGCAGCTGGGGTGGGCGACCCACCTGAACAGGTGTTGTTGTTGACTTCAT[C>T]GGCTGAGGGCCCCACGTCTGCACCCTGGCCCTGGCCCTCCACGATGCGAAGCTCTTCCTG-3'
Protein context (NP_001230937.1, residues 1049-1069): GQGADVGPSA[Asp1059Asn]EVNNNTCSAV